The following is an entry in ClinVar:

NM_020821.3(VPS13C):c.3467G>A (p.Arg1156His)

Gene: VPS13C (vacuolar protein sorting 13 homolog C; minus strand). Cytogenetic location: 15q22.2.
Variant type: single nucleotide variant.
Coding change: c.3467G>A on transcript NM_020821.3 (MANE Select); coding-DNA position 3467, G replaced by A.
Protein change: p.Arg1156His; replaces arginine 1156 with histidine.
Molecular consequence: missense variant.
Genome position (GRCh38, 1-based): chr15:61,962,507, C>T on the plus strand (G>A on the coding strand, the complement: VPS13C is on the minus strand). VCF-style: chr15-61962507-C-T. GRCh37 (hg19) VCF-style: chr15-62254706-C-T.
Other names: c.3467G>A, p.Arg1156His (NM_001018088.3); c.3338G>A, p.Arg1113His (NM_017684.5, NM_018080.4); short protein forms R1113H, R1156H.
Identifiers: ClinVar variation 1512410 (VCV001512410.6), dbSNP rs771079663, ClinGen allele CA7596362.

ClinVar aggregate classification (germline): Uncertain significance (1 of 4 stars; one submission).

Allele frequency attached by ClinVar (database versions not stated): TOPMed 0.00004; gnomAD 0.00006.
gnomAD v4.1: 45 of 1,609,636 alleles (0.0028%); highest among the groups gnomAD compares: Middle Eastern, 0.033%; no homozygotes.

Submission:

Labcorp Genetics (formerly Invitae), Labcorp
Classification: Uncertain significance. Last evaluated: 2021-09-08. Review status: criteria provided, single submitter. Criteria: Invitae Variant Classification Sherloc (09022015). Collection method: clinical testing. Allele origin: germline.
Comment: This sequence change replaces arginine with histidine at codon 1156 of the VPS13C protein (p.Arg1156His). The arginine residue is weakly conserved and there is a small physicochemical difference between arginine and histidine. This variant is present in population databases (rs771079663, ExAC 0.01%). This variant has not been reported in the literature in individuals affected with VPS13C-related conditions. Algorithms developed to predict the effect of missense changes on protein structure and function output the following: SIFT: "Tolerated"; PolyPhen-2: "Benign"; Align-GVGD: "Class C0". The histidine amino acid residue is found in multiple mammalian species, which suggests that this missense change does not adversely affect protein function. In summary, the available evidence is currently insufficient to determine the role of this variant in disease. Therefore, it has been classified as a Variant of Uncertain Significance.